The following is an entry in ClinVar:

NM_198282.4(STING1):c.980A>C (p.Gln327Pro)

Gene: STING1 (stimulator of interferon response cGAMP interactor 1; minus strand). Cytogenetic location: 5q31.2.
Variant type: single nucleotide variant.
Coding change: c.980A>C on transcript NM_198282.4 (MANE Select); coding-DNA position 980, A replaced by C.
Protein change: p.Gln327Pro; replaces glutamine 327 with proline.
Molecular consequence: missense variant. On other transcripts: synonymous variant (1).
Genome position (GRCh38, 1-based): chr5:139,476,421, T>G on the plus strand (A>C on the coding strand, the complement: STING1 is on the minus strand). VCF-style: chr5-139476421-T-G. GRCh37 (hg19) VCF-style: chr5-138856006-T-G.
Other names: c.793A>C, p.Arg265= (NM_001301738.2); c.623A>C, p.Gln208Pro (NM_001367258.1); short protein forms Q327P, Q208P.
Identifiers: ClinVar variation 2100868 (VCV002100868.4), dbSNP rs957732368, ClinGen allele CA128747807.
Genomic context (GRCh38, chr5:139,476,421, plus strand): 5'-TTCAAGCTGCCCACAGTAACCTCTTCCTTTTCCTCCTGCCGCAGGTGCCGGAGAACCTCC[T>G]GGGACAGCGAGAAGCTGCTGTCATCTGCAGGTTCTGGAACAGGGAGATAGGGGAGAGAGT-3'
Protein context (NP_938023.1, residues 317-337): PADDSSFSLS[Gln327Pro]EVLRHLRQEE

ClinVar aggregate classification (germline): Uncertain significance (1 of 4 stars; one submission).

Conditions:
STING-associated vasculopathy with onset in infancy. Also called: Sting-associated vasculopathy, infantile-onset. Identifiers: Orphanet 425120, MedGen C4014722, MONDO:0014405, OMIM 615934.

Allele frequency attached by ClinVar (database versions not stated): TOPMed below 0.00001.

Submission:

Labcorp Genetics (formerly Invitae), Labcorp
Classification: Uncertain significance for STING-associated vasculopathy with onset in infancy. Last evaluated: 2022-09-07. Review status: criteria provided, single submitter. Criteria: Invitae Variant Classification Sherloc (09022015). Collection method: clinical testing. Allele origin: germline.
Comment: This sequence change replaces glutamine, which is neutral and polar, with proline, which is neutral and non-polar, at codon 327 of the TMEM173 protein (p.Gln327Pro). This variant is not present in population databases (gnomAD no frequency). This variant has not been reported in the literature in individuals affected with TMEM173-related conditions. Algorithms developed to predict the effect of missense changes on protein structure and function are either unavailable or do not agree on the potential impact of this missense change (SIFT: "Tolerated"; PolyPhen-2: "Probably Damaging"; Align-GVGD: "Class C0"). In summary, the available evidence is currently insufficient to determine the role of this variant in disease. Therefore, it has been classified as a Variant of Uncertain Significance.